The following is an entry in ClinVar:

ClinVar aggregate classification (germline): Uncertain significance. Review status: criteria provided, multiple submitters, no conflicts (2 of 4 stars). 2 submissions from 2 submitters: Uncertain significance (2). Last evaluated 2023-01-25.

Allele frequency attached by ClinVar (database versions not stated): ESP Exome Variant Server 0.00008; ExAC 0.00003; gnomAD exomes 0.00005.
gnomAD v4.1: 78 of 1,614,022 alleles (0.0048%); highest among the groups gnomAD compares: Non-Finnish European, 0.0062%; no homozygotes.

Submissions (2):

GeneDx
Classification: Uncertain significance. Last evaluated: 2023-01-25. Review status: criteria provided, single submitter. Criteria: GeneDx Variant Classification Process June 2021. Collection method: clinical testing. Allele origin: germline. Affected: yes.
Comment: Not observed at significant frequency in large population cohorts (gnomAD); In silico analysis supports that this missense variant does not alter protein structure/function; Has not been previously published as pathogenic or benign to our knowledge

Labcorp Genetics (formerly Invitae), Labcorp
Classification: Uncertain significance. Last evaluated: 2022-03-01. Review status: criteria provided, single submitter. Criteria: Invitae Variant Classification Sherloc (09022015). Collection method: clinical testing. Allele origin: germline.
Comment: In summary, the available evidence is currently insufficient to determine the role of this variant in disease. Therefore, it has been classified as a Variant of Uncertain Significance. Algorithms developed to predict the effect of missense changes on protein structure and function are either unavailable or do not agree on the potential impact of this missense change (SIFT: "Deleterious"; PolyPhen-2: "Possibly Damaging"; Align-GVGD: "Class C0"). This variant has not been reported in the literature in individuals affected with RTTN-related conditions. This variant is present in population databases (rs374263213, gnomAD 0.007%). This sequence change replaces isoleucine, which is neutral and non-polar, with phenylalanine, which is neutral and non-polar, at codon 1291 of the RTTN protein (p.Ile1291Phe).

NM_173630.4(RTTN):c.3871A>T (p.Ile1291Phe)

Gene: RTTN (rotatin; minus strand). Cytogenetic location: 18q22.2.
Variant type: single nucleotide variant.
Coding change: c.3871A>T on transcript NM_173630.4 (MANE Select); coding-DNA position 3871, A replaced by T.
Protein change: p.Ile1291Phe; replaces isoleucine 1291 with phenylalanine.
Molecular consequence: missense variant.
Genome position (GRCh38, 1-based): chr18:70,109,530, T>A on the plus strand (A>T on the coding strand, the complement: RTTN is on the minus strand). VCF-style: chr18-70109530-T-A. GRCh37 (hg19) VCF-style: chr18-67776766-T-A.
Other names: c.3871A>T (NM_173630.3); c.1135A>T, p.Ile379Phe (NM_001318520.2); short protein forms I1291F, I379F.
Identifiers: ClinVar variation 2067883 (VCV002067883.5), dbSNP rs374263213, ClinGen allele CA8995467.